The following is an entry in ClinVar:

ClinVar aggregate classification (germline): Conflicting classifications of pathogenicity. Review status: criteria provided, conflicting classifications (1 of 4 stars). 3 submissions from 3 submitters: Uncertain significance (2); Likely benign (1). Last evaluated 2025-08-01.

Conditions:
Inborn genetic diseases. Identifiers: MedGen C0950123, MeSH D030342.

Allele frequency attached by ClinVar (database versions not stated): ExAC 0.00005; ESP Exome Variant Server 0.00016; 1000 Genomes Project 30x 0.00031; 1000 Genomes Project 0.00040; TOPMed 0.00040.
gnomAD v4.1: 136 of 1,614,210 alleles (0.0084%); highest among the groups gnomAD compares: African/African-American, 0.16%; no homozygotes.

Submissions (3):

Ambry Genetics
Classification: Uncertain significance for Inborn genetic diseases. Last evaluated: 2025-08-01. Review status: criteria provided, single submitter. Criteria: Ambry Variant Classification Scheme 2023. Collection method: clinical testing. Allele origin: germline.

Labcorp Genetics (formerly Invitae), Labcorp
Classification: Likely benign. Last evaluated: 2025-04-17. Review status: criteria provided, single submitter. Criteria: Invitae Variant Classification Sherloc (09022015). Collection method: clinical testing. Allele origin: germline.

GeneDx
Classification: Uncertain significance. Last evaluated: 2022-06-03. Review status: criteria provided, single submitter. Criteria: GeneDx Variant Classification Process June 2021. Collection method: clinical testing. Allele origin: germline. Affected: yes.
Comment: In silico analysis supports that this missense variant does not alter protein structure/function; Has not been previously published as pathogenic or benign to our knowledge

NM_001083614.2(EARS2):c.1292G>C (p.Gly431Ala)

Gene: EARS2 (glutamyl-tRNA synthetase 2, mitochondrial; minus strand). Cytogenetic location: 16p12.2.
Variant type: single nucleotide variant.
Coding change: c.1292G>C on transcript NM_001083614.2 (MANE Select); coding-DNA position 1292, G replaced by C.
Protein change: p.Gly431Ala; replaces glycine 431 with alanine.
Molecular consequence: missense variant. On other transcripts: non-coding transcript variant (1).
Genome position (GRCh38, 1-based): chr16:23,529,562, C>G on the plus strand (G>C on the coding strand, the complement: EARS2 is on the minus strand). VCF-style: chr16-23529562-C-G. GRCh37 (hg19) VCF-style: chr16-23540883-C-G.
Other names: c.1292G>C, p.Gly431Ala (NM_001308211.1); short protein forms G431A.
Identifiers: ClinVar variation 1662499 (VCV001662499.12), dbSNP rs112604556, ClinGen allele CA7962357.